The following is an entry in ClinVar:

ClinVar aggregate classification (germline): Conflicting classifications of pathogenicity. Review status: criteria provided, conflicting classifications (1 of 4 stars). 3 submissions from 3 submitters: Uncertain significance (1); Likely benign (1). 1 of the submissions does not count toward it. Last evaluated 2025-09-28.

Conditions:
IQCE-related disorder. Also called: IQCE-related condition.

Allele frequency attached by ClinVar (database versions not stated): ExAC 0.00285; ESP Exome Variant Server 0.00309; TOPMed 0.00193; 1000 Genomes Project 30x 0.00062; 1000 Genomes Project 0.00080; gnomAD 0.00193.
gnomAD v4.1: 4,664 of 1,579,018 alleles (0.3%); highest among the groups gnomAD compares: Non-Finnish European, 0.36%; 10 homozygotes.

Submissions (3):

Ambry Genetics
Classification: Uncertain significance. Last evaluated: 2025-09-28. Review status: criteria provided, single submitter. Criteria: Ambry Variant Classification Scheme 2023. Collection method: clinical testing. Allele origin: germline.

CeGaT Center for Human Genetics Tuebingen
Classification: Likely benign. Last evaluated: 2025-04-01. Review status: criteria provided, single submitter. Criteria: CeGaT Center For Human Genetics Tuebingen Variant Classification Criteria Version 2. Collection method: clinical testing. Allele origin: germline. Affected: yes. Observed: 1 variant allele.
Comment: IQCE: BP4, BS2

PreventionGenetics, part of Exact Sciences
Classification: Likely benign for IQCE-related condition. Last evaluated: 2022-04-01. Review status: no assertion criteria provided. Collection method: clinical testing. Allele origin: germline. Not counted in ClinVar's aggregate classification.
Comment: This variant is classified as likely benign based on ACMG/AMP sequence variant interpretation guidelines (Richards et al. 2015 PMID: 25741868, with internal and published modifications).

NM_152558.5(IQCE):c.702C>G (p.Ser234Arg)

Gene: IQCE (IQ motif containing E; plus strand). Cytogenetic location: 7p22.3.
Variant type: single nucleotide variant.
Coding change: c.702C>G on transcript NM_152558.5 (MANE Select); coding-DNA position 702, C replaced by G.
Protein change: p.Ser234Arg; replaces serine 234 with arginine.
Molecular consequence: missense variant.
Genome position (GRCh38, 1-based): chr7:2,583,637, C>G. VCF-style: chr7-2583637-C-G. GRCh37 (hg19) VCF-style: chr7-2623271-C-G.
Other names: c.702C>G, p.Ser234Arg (NM_001287499.2); c.654C>G, p.Ser218Arg (NM_001287500.2, NM_001410865.1); c.507C>G, p.Ser169Arg (NM_001287501.2, NM_001287502.2); c.702C>G (NM_152558.3); short protein forms S169R, S218R, S234R.
Identifiers: ClinVar variation 3044277 (VCV003044277.9), dbSNP rs182671518, ClinGen allele CA4128819.
Genomic context (GRCh38, chr7:2,583,637, plus strand): 5'-CTTGCTCTGTCCCCTGGGAACGCTGGCACATCCCTATTAACGCTGAACTTGGGTTTTCAG[C>G]AAACTCCAGACCGATATGAAGACTACCAACCTGGAAGAGATGCGGATCGCCATGGAGACA-3'
Protein context (NP_689771.3, residues 224-244): QQCKEKDGTI[Ser234Arg]KLQTDMKTTN